The following is an entry in ClinVar:

NM_198576.4(AGRN):c.4681G>A (p.Gly1561Arg)

Gene: AGRN (agrin; plus strand). Cytogenetic location: 1p36.33.
Variant type: single nucleotide variant.
Coding change: c.4681G>A on transcript NM_198576.4 (MANE Select); coding-DNA position 4681, G replaced by A.
Protein change: p.Gly1561Arg; replaces glycine 1561 with arginine.
Molecular consequence: missense variant.
Genome position (GRCh38, 1-based): chr1:1,049,732, G>A. VCF-style: chr1-1049732-G-A. GRCh37 (hg19) VCF-style: chr1-985112-G-A.
Other names: c.4681G>A, p.Gly1561Arg (NM_001305275.2); c.4366G>A, p.Gly1456Arg (NM_001364727.2); short protein forms G1456R, G1561R.
Identifiers: ClinVar variation 2146049 (VCV002146049.4), dbSNP rs773164492, ClinGen allele CA509570.

ClinVar aggregate classification (germline): Uncertain significance (1 of 4 stars; one submission).

Conditions:
Congenital myasthenic syndrome 8. Also called: Myasthenic syndrome, congenital, 8, with pre- and postsynaptic defects; MYASTHENIC SYNDROME, CONGENITAL, DUE TO AGRIN DEFICIENCY. Identifiers: Orphanet 590, MedGen C3808739, MONDO:0014052, OMIM 615120.

Allele frequency attached by ClinVar (database versions not stated): gnomAD 0.00001; TOPMed 0.00002; ExAC 0.00018.
gnomAD v4.1: 44 of 1,580,582 alleles (0.0028%); highest among the groups gnomAD compares: South Asian, 0.041%; no homozygotes.

Submission:

Labcorp Genetics (formerly Invitae), Labcorp
Classification: Uncertain significance for Congenital myasthenic syndrome 8. Last evaluated: 2022-03-19. Review status: criteria provided, single submitter. Criteria: Invitae Variant Classification Sherloc (09022015). Collection method: clinical testing. Allele origin: germline.
Comment: In summary, the available evidence is currently insufficient to determine the role of this variant in disease. Therefore, it has been classified as a Variant of Uncertain Significance. Algorithms developed to predict the effect of missense changes on protein structure and function output the following: SIFT: "Deleterious"; PolyPhen-2: "Possibly Damaging"; Align-GVGD: "Class C15". The arginine amino acid residue is found in multiple mammalian species, which suggests that this missense change does not adversely affect protein function. This variant has not been reported in the literature in individuals affected with AGRN-related conditions. This variant is present in population databases (rs773164492, gnomAD 0.03%). This sequence change replaces glycine, which is neutral and non-polar, with arginine, which is basic and polar, at codon 1561 of the AGRN protein (p.Gly1561Arg).